The following is an entry in ClinVar:

NM_018975.4(TERF2IP):c.1147A>G (p.Lys383Glu)

Gene: TERF2IP (TERF2 interacting protein; plus strand). Cytogenetic location: 16q23.1.
Variant type: single nucleotide variant.
Coding change: c.1147A>G on transcript NM_018975.4 (MANE Select); coding-DNA position 1147, A replaced by G.
Protein change: p.Lys383Glu; replaces lysine 383 with glutamic acid.
Molecular consequence: missense variant. On other transcripts: non-coding transcript variant (1).
Genome position (GRCh38, 1-based): chr16:75,656,558, A>G. VCF-style: chr16-75656558-A-G. GRCh37 (hg19) VCF-style: chr16-75690456-A-G.
Other names: short protein forms K383E.
Identifiers: ClinVar variation 2560493 (VCV002560493.2), dbSNP rs2082388472, ClinGen allele CA396820362.

ClinVar aggregate classification (germline): Uncertain significance (1 of 4 stars; one submission).

Allele frequency attached by ClinVar (database versions not stated): TOPMed below 0.00001.

Submission:

Ambry Genetics
Classification: Uncertain significance. Last evaluated: 2023-04-14. Review status: criteria provided, single submitter. Criteria: Ambry Variant Classification Scheme 2023. Collection method: clinical testing. Allele origin: germline.
Comment: The p.K383E variant (also known as c.1147A>G), located in coding exon 3 of the TERF2IP gene, results from an A to G substitution at nucleotide position 1147. The lysine at codon 383 is replaced by glutamic acid, an amino acid with similar properties. This amino acid position is conserved. In addition, this alteration is predicted to be tolerated by in silico analysis. Since supporting evidence is limited at this time, the clinical significance of this alteration remains unclear.